The following is an entry in ClinVar:

ClinVar aggregate classification (germline): Uncertain significance (1 of 4 stars; one submission).

Allele frequency attached by ClinVar (database versions not stated): gnomAD exomes below 0.00001 and 0.00001; ExAC 0.00001.
gnomAD v4.1: 12 of 1,606,730 alleles (0.00075%); highest among the groups gnomAD compares: East Asian, 0.013%; no homozygotes.

Submission:

Labcorp Genetics (formerly Invitae), Labcorp
Classification: Uncertain significance. Last evaluated: 2020-11-11. Review status: criteria provided, single submitter. Criteria: Invitae Variant Classification Sherloc (09022015). Collection method: clinical testing. Allele origin: germline.
Comment: This variant is present in population databases (rs751206376, ExAC 0.007%). In summary, the available evidence is currently insufficient to determine the role of this variant in disease. Therefore, it has been classified as a Variant of Uncertain Significance. Advanced modeling of protein sequence and biophysical properties (such as structural, functional, and spatial information, amino acid conservation, physicochemical variation, residue mobility, and thermodynamic stability) performed at Invitae indicates that this missense variant is not expected to disrupt CPLANE1 protein function. This variant has not been reported in the literature in individuals with CPLANE1-related conditions. This sequence change replaces isoleucine with valine at codon 2161 of the CPLANE1 protein (p.Ile2161Val). The isoleucine residue is weakly conserved and there is a small physicochemical difference between isoleucine and valine.

NM_001384732.1(CPLANE1):c.6481A>G (p.Ile2161Val)

Gene: CPLANE1 (ciliogenesis and planar polarity effector complex subunit 1; minus strand). Cytogenetic location: 5p13.2.
Variant type: single nucleotide variant.
Coding change: c.6481A>G on transcript NM_001384732.1 (MANE Select); coding-DNA position 6481, A replaced by G.
Protein change: p.Ile2161Val; replaces isoleucine 2161 with valine.
Molecular consequence: missense variant.
Genome position (GRCh38, 1-based): chr5:37,169,543, T>C on the plus strand (A>G on the coding strand, the complement: CPLANE1 is on the minus strand). VCF-style: chr5-37169543-T-C. GRCh37 (hg19) VCF-style: chr5-37169645-T-C.
Other names: c.6481A>G, p.Ile2161Val (NM_023073.4); short protein forms I2161V.
Identifiers: ClinVar variation 1504678 (VCV001504678.8), dbSNP rs751206376, ClinGen allele CA3238234.